The following is an entry in ClinVar:

ClinVar aggregate classification (germline): Likely benign. Review status: criteria provided, single submitter (1 of 4 stars). 2 submissions from 2 submitters: Likely benign (1). 1 of the submissions does not count toward it. Last evaluated 2020-03-16.

Conditions:
SMS-related disorder. Also called: SMS-related condition.
Inborn genetic diseases. Identifiers: MedGen C0950123, MeSH D030342.

Allele frequency attached by ClinVar (database versions not stated): TOPMed 0.00002; gnomAD 0.00003.

Submissions (2):

Ambry Genetics
Classification: Likely benign for Inborn genetic diseases. Last evaluated: 2020-03-16. Review status: criteria provided, single submitter. Criteria: Ambry Variant Classification Scheme 2023. Collection method: clinical testing. Allele origin: germline.

PreventionGenetics, part of Exact Sciences
Classification: Likely benign for SMS-related condition. Last evaluated: 2024-06-10. Review status: no assertion criteria provided. Collection method: clinical testing. Allele origin: germline. Not counted in ClinVar's aggregate classification.
Comment: This variant is classified as likely benign based on ACMG/AMP sequence variant interpretation guidelines (Richards et al. 2015 PMID: 25741868, with internal and published modifications).

NM_004595.5(SMS):c.42C>T (p.Gly14=)

Genes: SMS (spermine synthase; plus strand), LOC130068040 (ATAC-STARR-seq lymphoblastoid silent region 20700; plus strand). Cytogenetic location: Xp22.11.
Variant type: single nucleotide variant.
Coding change: c.42C>T on transcript NM_004595.5 (MANE Select); coding-DNA position 42, C replaced by T.
Protein change: p.Gly14=; no amino-acid change (glycine 14 retained).
Molecular consequence: synonymous variant.
Genome position (GRCh38, 1-based): chrX:21,940,866, C>T. VCF-style: chrX-21940866-C-T. GRCh37 (hg19) VCF-style: chrX-21958984-C-T.
Other names: c.42C>T, p.Gly14= (NM_001258423.2); c.42C>T (NM_004595.4).
Identifiers: ClinVar variation 1739528 (VCV001739528.3), dbSNP rs1424492466, ClinGen allele CA515422701.